The following is an entry in ClinVar:

NM_001199397.3(NEK1):c.2392C>G (p.Leu798Val)

Gene: NEK1 (NIMA related kinase 1; minus strand). Cytogenetic location: 4q33.
Variant type: single nucleotide variant.
Coding change: c.2392C>G on transcript NM_001199397.3 (MANE Select); coding-DNA position 2392, C replaced by G.
Protein change: p.Leu798Val; replaces leucine 798 with valine.
Molecular consequence: missense variant. On other transcripts: non-coding transcript variant (1).
Genome position (GRCh38, 1-based): chr4:169,477,166, G>C on the plus strand (C>G on the coding strand, the complement: NEK1 is on the minus strand). VCF-style: chr4-169477166-G-C. GRCh37 (hg19) VCF-style: chr4-170398317-G-C.
Other names: c.2260C>G, p.Leu754Val (NM_001199398.3); c.2101C>G, p.Leu701Val (NM_001199399.3); c.2176C>G, p.Leu726Val (NM_001199400.3); c.2392C>G, p.Leu798Val (NM_001374418.1); c.2308C>G, p.Leu770Val (NM_001374419.1, NM_012224.4); c.2257C>G, p.Leu753Val (NM_001374420.1); c.2086C>G, p.Leu696Val (NM_001374421.1); short protein forms L770V, L798V, L701V, L754V, L726V, L696V, L753V.
Identifiers: ClinVar variation 266053 (VCV000266053.6), dbSNP rs1131690778, ClinGen allele CA358732682.

ClinVar aggregate classification (germline): Conflicting classifications of pathogenicity. Review status: criteria provided, conflicting classifications (1 of 4 stars). 2 submissions from 2 submitters: Uncertain significance (1); Likely benign (1). Last evaluated 2021-11-30.

Conditions:
Motor neuron disease. Also called: Degenerative motor system disease; Motor neuron disorder. Identifiers: Orphanet 98503, MedGen C0085084, MONDO:0020128.
Short-rib thoracic dysplasia 6 with or without polydactyly (SRTD6). Also called: SHORT RIB-POLYDACTYLY SYNDROME, TYPE IIA; SHORT-RIB THORACIC DYSPLASIA 6 WITH POLYDACTYLY; SHORT-RIB THORACIC DYSPLASIA 6 WITHOUT POLYDACTYLY; POLYDACTYLY WITH NEONATAL CHONDRODYSTROPHY, TYPE II; Majewski Syndrome. Identifiers: MedGen C0024507, MONDO:0009894, OMIM 263520.

Allele frequency attached by ClinVar (database versions not stated): gnomAD exomes 0.00001.
gnomAD v4.1: 17 of 1,607,872 alleles (0.0011%); highest among the groups gnomAD compares: Non-Finnish European, 0.0014%; no homozygotes.

Submissions (2):

Labcorp Genetics (formerly Invitae), Labcorp
Classification: Uncertain significance for Short-rib thoracic dysplasia 6 with or without polydactyly. Last evaluated: 2021-11-30. Review status: criteria provided, single submitter. Criteria: Invitae Variant Classification Sherloc (09022015). Collection method: clinical testing. Allele origin: germline.
Comment: This sequence change replaces leucine, which is neutral and non-polar, with valine, which is neutral and non-polar, at codon 770 of the NEK1 protein (p.Leu770Val). This variant is present in population databases (no rsID available, gnomAD 0.002%). This missense change has been observed in individual(s) with NEK1-related conditions (PMID: 28089114). This variant is also known as c.2392C>G. ClinVar contains an entry for this variant (Variation ID: 266053). Advanced modeling of protein sequence and biophysical properties (such as structural, functional, and spatial information, amino acid conservation, physicochemical variation, residue mobility, and thermodynamic stability) performed at Invitae indicates that this missense variant is not expected to disrupt NEK1 protein function. In summary, the available evidence is currently insufficient to determine the role of this variant in disease. Therefore, it has been classified as a Variant of Uncertain Significance.

Centre for Genomic and Experimental Medicine, University of Edinburgh
Classification: Likely benign for Motor neuron disease. Last evaluated: 2016-08-31. Review status: criteria provided, single submitter. Criteria: Submitter's publication. Collection method: case-control. Allele origin: unknown. Affected: yes. Observed: 1 heterozygote.

Literature cited by the submitters: PubMed 28089114 (cited by Labcorp Genetics (formerly Invitae), Labcorp and Centre for Genomic and Experimental Medicine, University of Edinburgh).